The following is an entry in ClinVar:

ClinVar aggregate classification (germline): Conflicting classifications of pathogenicity. Review status: criteria provided, conflicting classifications (1 of 4 stars). 3 submissions from 3 submitters: Uncertain significance (1); Likely benign (2). Last evaluated 2025-08-10.

Conditions:
Hereditary cancer-predisposing syndrome. Also called: Hereditary Cancer Syndrome; Neoplastic Syndromes, Hereditary; Tumor predisposition; Hereditary neoplastic syndrome. Identifiers: Orphanet 140162, MedGen C0027672, MeSH D009386, MONDO:0015356.

Allele frequency attached by ClinVar (database versions not stated): TOPMed below 0.00001; gnomAD 0.00001.
gnomAD v4.1: 2 of 1,614,112 alleles (0.00012%); highest among the groups gnomAD compares: Non-Finnish European, 0.00017%; no homozygotes.

Submissions (3):

Labcorp Genetics (formerly Invitae), Labcorp
Classification: Likely benign. Last evaluated: 2025-08-10. Review status: criteria provided, single submitter. Criteria: Invitae Variant Classification Sherloc (09022015). Collection method: clinical testing. Allele origin: germline.

GeneDx
Classification: Uncertain significance. Last evaluated: 2023-12-12. Review status: criteria provided, single submitter. Criteria: GeneDx Variant Classification Process June 2021. Collection method: clinical testing. Allele origin: germline.
Comment: Not observed at significant frequency in large population cohorts (gnomAD); In silico analysis supports a deleterious effect on splicing; Has not been previously published as pathogenic or benign to our knowledge

Ambry Genetics
Classification: Likely benign for Hereditary cancer-predisposing syndrome. Last evaluated: 2019-07-26. Review status: criteria provided, single submitter. Criteria: Ambry Variant Classification Scheme 2023. Collection method: clinical testing. Allele origin: germline.

NM_001903.5(CTNNA1):c.2400G>A (p.Val800=)

Gene: CTNNA1 (catenin alpha 1; plus strand). Cytogenetic location: 5q31.2.
Variant type: single nucleotide variant.
Coding change: c.2400G>A on transcript NM_001903.5 (MANE Select); coding-DNA position 2400, G replaced by A.
Protein change: p.Val800=; no amino-acid change (valine 800 retained).
Molecular consequence: synonymous variant. On other transcripts: intron variant (1).
Genome position (GRCh38, 1-based): chr5:138,932,679, G>A. VCF-style: chr5-138932679-G-A. GRCh37 (hg19) VCF-style: chr5-138268368-G-A.
Other names: c.2400G>A (NM_001903.3); c.2400G>A, p.Val800= (NM_001290307.3, NM_001323982.2, NM_001323983.1 and 2 more transcripts); c.2091G>A, p.Val697= (NM_001290309.3); c.2031G>A, p.Val677= (NM_001290310.3); c.1290G>A, p.Val430= (NM_001290312.1, NM_001323987.1, NM_001323988.1 and 16 more transcripts); c.2307G>A, p.Val769= (NM_001323986.2); c.951G>A, p.Val317= (NM_001324006.1, NM_001324007.1, NM_001324008.1 and 2 more transcripts); c.1197G>A, p.Val399= (NM_001324011.1); and 2 more.
Identifiers: ClinVar variation 821220 (VCV000821220.16), dbSNP rs1370483870, ClinGen allele CA446598227.
Genomic context (GRCh38, chr5:138,932,679, plus strand): 5'-GCAACGCATCGCCCTCTACTGCCACCAGCTGAACATCTGCAGCAAGGTCAAGGCCGAGGT[G>A]CAGAATCTCGGCGGGGAGCTTGTTGTCTCTGGGGTAAGCATTAGCTGAACAAAAAGAGGG-3'
Protein context (NP_001894.2, residues 790-810): LNICSKVKAE[Val800=]QNLGGELVVS